The following is an entry in ClinVar:

ClinVar aggregate classification (germline): Uncertain significance (1 of 4 stars; one submission).

Conditions:
Epidermolysis bullosa simplex 3, localized or generalized intermediate, with BP230 deficiency (EBS3). Also called: Epidermolysis bullosa simplex, autosomal recessive 2; Epidermolysis bullosa simplex due to BP230 deficiency. Identifiers: Orphanet 412181, MedGen C3809470, MONDO:0014180, OMIM 615425.
Hereditary sensory and autonomic neuropathy type 6. Also called: Neuropathy, hereditary sensory and autonomic, type VI; HSAN VI. Identifiers: Orphanet 314381, MedGen C3539003, MONDO:0013839, OMIM 614653.

Allele frequency attached by ClinVar (database versions not stated): gnomAD exomes below 0.00001.
gnomAD v4.1: 2 of 1,612,258 alleles (0.00012%); highest among the groups gnomAD compares: Non-Finnish European, 0.00017%; no homozygotes.

Submission:

Labcorp Genetics (formerly Invitae), Labcorp
Classification: Uncertain significance for Epidermolysis bullosa simplex 3, localized or generalized intermediate, with BP230 deficiency; Hereditary sensory and autonomic neuropathy type 6. Last evaluated: 2023-10-13. Review status: criteria provided, single submitter. Criteria: Invitae Variant Classification Sherloc (09022015). Collection method: clinical testing. Allele origin: germline.
Comment: The DST gene has multiple clinically relevant transcripts. This variant occurs in alternate transcript NM_015548.4, and corresponds to NM_001723.5:c.*109063G>T in the primary transcript. This sequence change replaces aspartic acid, which is acidic and polar, with tyrosine, which is neutral and polar, at codon 3862 of the DST protein (p.Asp3862Tyr). This variant is not present in population databases (gnomAD no frequency). This variant has not been reported in the literature in individuals affected with DST-related conditions. In summary, the available evidence is currently insufficient to determine the role of this variant in disease. Therefore, it has been classified as a Variant of Uncertain Significance.

NM_001374736.1(DST):c.19453G>T (p.Asp6485Tyr)

Gene: DST (dystonin; minus strand). Cytogenetic location: 6p12.1.
Variant type: single nucleotide variant.
Coding change: c.19453G>T on transcript NM_001374736.1 (MANE Select); coding-DNA position 19453, G replaced by T.
Protein change: p.Asp6485Tyr; replaces aspartic acid 6485 with tyrosine.
Molecular consequence: missense variant.
Genome position (GRCh38, 1-based): chr6:56,506,454, C>A on the plus strand (G>T on the coding strand, the complement: DST is on the minus strand). VCF-style: chr6-56506454-C-A. GRCh37 (hg19) VCF-style: chr6-56371252-C-A.
Other names: c.13096G>T, p.Asp4366Tyr (NM_001144769.5); c.12682G>T, p.Asp4228Tyr (NM_001144770.2); c.19453G>T, p.Asp6485Tyr (NM_001374722.1); c.18493G>T, p.Asp6165Tyr (NM_001374729.1); c.12235G>T, p.Asp4079Tyr (NM_001374730.1); c.19480G>T, p.Asp6494Tyr (NM_001374734.1); c.11584G>T, p.Asp3862Tyr (NM_015548.5); c.12562G>T, p.Asp4188Tyr (NM_183380.4); short protein forms D4188Y, D6494Y, D4079Y, D6165Y, D3862Y, D4228Y, D4366Y, D6485Y.
Identifiers: ClinVar variation 970820 (VCV000970820.8), dbSNP rs2096316666, ClinGen allele CA364522095.